The following is an entry in ClinVar:

ClinVar aggregate classification (germline): Uncertain significance. Review status: criteria provided, multiple submitters, no conflicts (2 of 4 stars). 3 submissions from 3 submitters: Uncertain significance (3). Last evaluated 2026-08-05.

Conditions:
Fanconi anemia, complementation group W. Identifiers: MedGen C4521564, MONDO:0044325, OMIM 617784.

gnomAD v4.1: 3 of 1,614,052 alleles (0.00019%); highest among the groups gnomAD compares: African/African-American, 0.0013%; no homozygotes.

Submissions (3):

Department of Molecular Genetics, Istishari Arab Hospital
Classification: Uncertain significance for Fanconi anemia, complementation group W. Last evaluated: 2026-08-05. Review status: criteria provided, single submitter. Criteria: ACMG Guidelines, 2015. Collection method: clinical testing. Allele origin: germline. Inheritance: Autosomal recessive inheritance. Affected: yes.
Comment: The RFWD3 variant c.1643G>A, p.Cys548Tyr creates an amino acid change from Cys to Tyr in exon 10 (out of 13). The variant is observed with very low frequency in the gnomAD v4.1.0 dataset, and to the best of our knowledge, it was not previously reported in the literature. It is classified as a variant of uncertain significance according to the recommendations of ACMG/AMP/ClinGen SVI guidelines.

Labcorp Genetics (formerly Invitae), Labcorp
Classification: Uncertain significance. Last evaluated: 2025-05-07. Review status: criteria provided, single submitter. Criteria: Invitae Variant Classification Sherloc (09022015). Collection method: clinical testing. Allele origin: germline.
Comment: This sequence change replaces cysteine, which is neutral and slightly polar, with tyrosine, which is neutral and polar, at codon 548 of the RFWD3 protein (p.Cys548Tyr). This variant is present in population databases (no rsID available, gnomAD 0.007%). This variant has not been reported in the literature in individuals affected with RFWD3-related conditions. An algorithm developed to predict the effect of missense changes on protein structure and function (PolyPhen-2) suggests that this variant is likely to be disruptive. In summary, the available evidence is currently insufficient to determine the role of this variant in disease. Therefore, it has been classified as a Variant of Uncertain Significance.

Ambry Genetics
Classification: Uncertain significance. Last evaluated: 2025-03-26. Review status: criteria provided, single submitter. Criteria: Ambry Variant Classification Scheme 2023. Collection method: clinical testing. Allele origin: germline.

NM_018124.4(RFWD3):c.1643G>A (p.Cys548Tyr)

Gene: RFWD3 (ring finger and WD repeat domain 3; minus strand). Cytogenetic location: 16q23.1.
Variant type: single nucleotide variant.
Coding change: c.1643G>A on transcript NM_018124.4 (MANE Select); coding-DNA position 1643, G replaced by A.
Protein change: p.Cys548Tyr; replaces cysteine 548 with tyrosine.
Molecular consequence: missense variant. On other transcripts: intron variant (1).
Genome position (GRCh38, 1-based): chr16:74,630,892, C>T on the plus strand (G>A on the coding strand, the complement: RFWD3 is on the minus strand). VCF-style: chr16-74630892-C-T. GRCh37 (hg19) VCF-style: chr16-74664790-C-T.
Other names: p.Cys548Tyr; c.1643G>A, p.Cys548Tyr (NM_001370534.1, NM_001370535.1); c.809G>A, p.Cys270Tyr (NM_001370537.1, NM_001370539.1, NM_001370540.1 and 2 more transcripts); c.1577+1631G>A (NM_001370536.1); short protein forms C548Y, C270Y.
Identifiers: ClinVar variation 3944973 (VCV003944973.3).